The following is an entry in ClinVar:

NM_000492.4(CFTR):c.1994C>G (p.Thr665Ser)

Gene: CFTR (CF transmembrane conductance regulator; plus strand). Cytogenetic location: 7q31.2.
Variant type: single nucleotide variant.
Coding change: c.1994C>G on transcript NM_000492.4 (MANE Select); coding-DNA position 1994, C replaced by G.
Protein change: p.Thr665Ser; replaces threonine 665 with serine.
Molecular consequence: missense variant.
Genome position (GRCh38, 1-based): chr7:117,592,161, C>G. VCF-style: chr7-117592161-C-G. GRCh37 (hg19) VCF-style: chr7-117232215-C-G.
Other names: short protein forms T665S.
Identifiers: ClinVar variation 3832547 (VCV003832547.1).

ClinVar aggregate classification (germline): Uncertain significance (1 of 4 stars; one submission).

Conditions:
Cystic fibrosis (CF). Also called: MUCOVISCIDOSIS. Identifiers: Orphanet 586, MedGen C0010674, MONDO:0009061, OMIM 219700. Disease mechanism: loss of function.

Submission:

Ambry Genetics
Classification: Uncertain significance for Cystic fibrosis. Last evaluated: 2024-12-20. Review status: criteria provided, single submitter. Criteria: Ambry Variant Classification Scheme 2023. Collection method: clinical testing. Allele origin: germline.
Comment: The p.T665S variant (also known as c.1994C>G), located in coding exon 14 of the CFTR gene, results from a C to G substitution at nucleotide position 1994. The threonine at codon 665 is replaced by serine, an amino acid with similar properties. This amino acid position is highly conserved in available vertebrate species. In addition, this alteration is predicted to be deleterious by in silico analysis. Based on the available evidence, the clinical significance of this variant remains unclear.